The following is an entry in ClinVar:

ClinVar aggregate classification (germline): Uncertain significance (1 of 4 stars; one submission).

Allele frequency attached by ClinVar (database versions not stated): ExAC 0.00001; TOPMed 0.00001; gnomAD 0.00002.
gnomAD v4.1: 5 of 1,609,928 alleles (0.00031%); highest among the groups gnomAD compares: South Asian, 0.0011%; no homozygotes.

Submission:

Labcorp Genetics (formerly Invitae), Labcorp
Classification: Uncertain significance. Last evaluated: 2021-10-03. Review status: criteria provided, single submitter. Criteria: Invitae Variant Classification Sherloc (09022015). Collection method: clinical testing. Allele origin: germline.
Comment: This sequence change replaces alanine with threonine at codon 68 of the MPDZ protein (p.Ala68Thr). The alanine residue is weakly conserved and there is a small physicochemical difference between alanine and threonine. This variant is present in population databases (rs764604478, ExAC 0.007%). This variant has not been reported in the literature in individuals affected with MPDZ-related conditions. Algorithms developed to predict the effect of missense changes on protein structure and function output the following: SIFT: "Tolerated"; PolyPhen-2: "Benign"; Align-GVGD: "Class C0". The threonine amino acid residue is found in multiple mammalian species, which suggests that this missense change does not adversely affect protein function. In summary, the available evidence is currently insufficient to determine the role of this variant in disease. Therefore, it has been classified as a Variant of Uncertain Significance.

NM_001378778.1(MPDZ):c.202G>A (p.Ala68Thr)

Gene: MPDZ (multiple PDZ domain crumbs cell polarity complex component; minus strand). Cytogenetic location: 9p23.
Variant type: single nucleotide variant.
Coding change: c.202G>A on transcript NM_001378778.1 (MANE Select); coding-DNA position 202, G replaced by A.
Protein change: p.Ala68Thr; replaces alanine 68 with threonine.
Molecular consequence: missense variant.
Genome position (GRCh38, 1-based): chr9:13,224,565, C>T on the plus strand (G>A on the coding strand, the complement: MPDZ is on the minus strand). VCF-style: chr9-13224565-C-T. GRCh37 (hg19) VCF-style: chr9-13224564-C-T.
Other names: c.202G>A, p.Ala68Thr (NM_001375422.1, NM_001375423.1, NM_001375424.1 and 14 more transcripts); short protein forms A68T.
Identifiers: ClinVar variation 1384285 (VCV001384285.6), dbSNP rs764604478, ClinGen allele CA4988188.